The following is an entry in ClinVar:

ClinVar aggregate classification (germline): Uncertain significance. Review status: criteria provided, multiple submitters, no conflicts (2 of 4 stars). 2 submissions from 2 submitters: Uncertain significance (2). Last evaluated 2022-09-07.

gnomAD v4.1: 5 of 1,551,266 alleles (0.00032%); highest among the groups gnomAD compares: Middle Eastern, 0.033%; no homozygotes.

Submissions (2):

Labcorp Genetics (formerly Invitae), Labcorp
Classification: Uncertain significance. Last evaluated: 2022-09-07. Review status: criteria provided, single submitter. Criteria: Invitae Variant Classification Sherloc (09022015). Collection method: clinical testing. Allele origin: germline.
Comment: This sequence change replaces glutamic acid, which is acidic and polar, with lysine, which is basic and polar, at codon 1836 of the EYS protein (p.Glu1836Lys). This variant is present in population databases (no rsID available, gnomAD 0.002%). This variant has not been reported in the literature in individuals affected with EYS-related conditions. ClinVar contains an entry for this variant (Variation ID: 1431478). Algorithms developed to predict the effect of missense changes on protein structure and function (SIFT, PolyPhen-2, Align-GVGD) all suggest that this variant is likely to be tolerated. In summary, the available evidence is currently insufficient to determine the role of this variant in disease. Therefore, it has been classified as a Variant of Uncertain Significance.

Blueprint Genetics
Classification: Uncertain significance. Last evaluated: 2019-05-21. Review status: criteria provided, single submitter. Criteria: ACMG Guidelines, 2015. Collection method: clinical testing. Allele origin: germline.

NM_001142800.2(EYS):c.5506G>A (p.Glu1836Lys)

Gene: EYS (EGF-like photoreceptor maintenance factor; minus strand). Cytogenetic location: 6q12.
Variant type: single nucleotide variant.
Coding change: c.5506G>A on transcript NM_001142800.2 (MANE Select); coding-DNA position 5506, G replaced by A.
Protein change: p.Glu1836Lys; replaces glutamic acid 1836 with lysine.
Molecular consequence: missense variant.
Genome position (GRCh38, 1-based): chr6:64,590,361, C>T on the plus strand (G>A on the coding strand, the complement: EYS is on the minus strand). VCF-style: chr6-64590361-C-T. GRCh37 (hg19) VCF-style: chr6-65300254-C-T.
Other names: c.5506G>A, p.Glu1836Lys (NM_001292009.2); short protein forms E1836K.
Identifiers: ClinVar variation 1431478 (VCV001431478.4), dbSNP rs1478427973, ClinGen allele CA364780964.